The following is an entry in ClinVar:

ClinVar aggregate classification (germline): Likely pathogenic (0 of 4 stars; one submission).

Conditions:
TCOF1-related disorder. Also called: TCOF1-related condition.

Submission:

PreventionGenetics, part of Exact Sciences
Classification: Likely pathogenic for TCOF1-related condition. Last evaluated: 2024-05-17. Review status: no assertion criteria provided. Collection method: clinical testing. Allele origin: germline.
Comment: The TCOF1 c.3833delA variant is predicted to result in a frameshift and premature protein termination (p.Lys1278Argfs*29). To our knowledge, this variant has not been reported in the literature or in a large population database, indicating this variant is rare. Frameshift variants in TCOF1 are expected to be pathogenic. This variant is interpreted as likely pathogenic.

NM_001371623.1(TCOF1):c.3836del (p.Lys1279fs)

Gene: TCOF1 (treacle ribosome biogenesis factor 1; plus strand). Cytogenetic location: 5q32.
Variant type: Deletion.
Coding change: c.3836del on transcript NM_001371623.1 (MANE Select); coding-DNA position 3836, one base deleted (A; older notation c.3836delA).
Protein change: p.Lys1279fs; shifts the reading frame from lysine 1279.
Molecular consequence: frameshift variant.
Genome position (GRCh38, 1-based): chr5:150,396,333, A deleted; the last of 2 consecutive A bases (chr5:150,396,332-150,396,333); deleting either gives the same sequence. VCF-style (leftmost placement, unchanged base first): chr5-150396331-CA-C. GRCh37 (hg19) VCF-style: chr5-149775894-CA-C.
Other names: c.3602del, p.Lys1201fs (NM_000356.4); c.3833del, p.Lys1278fs (NM_001135243.2); c.3722del, p.Lys1241fs (NM_001135244.2); c.3605del, p.Lys1202fs (NM_001135245.2); c.3719del, p.Lys1240fs (NM_001195141.2); short protein forms K1201fs, K1202fs, K1240fs, K1241fs, K1278fs, K1279fs.
Identifiers: ClinVar variation 3345343 (VCV003345343.1).